The following is an entry in ClinVar:

NM_001367624.2(ZNF469):c.3306G>C (p.Glu1102Asp)

Gene: ZNF469 (zinc finger protein 469; plus strand). Cytogenetic location: 16q24.2.
Variant type: single nucleotide variant.
Coding change: c.3306G>C on transcript NM_001367624.2 (MANE Select); coding-DNA position 3306, G replaced by C.
Protein change: p.Glu1102Asp; replaces glutamic acid 1102 with aspartic acid.
Molecular consequence: missense variant.
Genome position (GRCh38, 1-based): chr16:88,430,776, G>C. VCF-style: chr16-88430776-G-C. GRCh37 (hg19) VCF-style: chr16-88497184-G-C.
Other names: p.Glu1102Asp; short protein forms E1102D.
Identifiers: ClinVar variation 4542061 (VCV004542061.1).

ClinVar aggregate classification (germline): Uncertain significance (1 of 4 stars; one submission).

gnomAD v4.1: 1 of 1,525,286 alleles (0.000066%); no homozygotes.

Submission:

Mayo Clinic Laboratories, Mayo Clinic
Classification: Uncertain significance. Last evaluated: 2024-12-13. Review status: criteria provided, single submitter. Criteria: ACMG Guidelines, 2015. Collection method: clinical testing. Allele origin: germline. Observed: 2 variant alleles.
Comment: BP4_strong, PM2_supporting